The following is an entry in ClinVar:

ClinVar aggregate classification (germline): Uncertain significance (1 of 4 stars; one submission).

Allele frequency attached by ClinVar (database versions not stated): gnomAD exomes below 0.00001.
gnomAD v4.1: 1 of 1,613,246 alleles (0.000062%); highest among the groups gnomAD compares: Non-Finnish European, 0.000085%; no homozygotes.

Submission:

Mayo Clinic Laboratories, Mayo Clinic
Classification: Uncertain significance. Last evaluated: 2022-06-13. Review status: criteria provided, single submitter. Criteria: ACMG Guidelines, 2015. Collection method: clinical testing. Allele origin: germline. Observed: 2 variant alleles.
Comment: PM2

NM_001289808.2(CRYAB):c.158C>T (p.Ser53Phe)

Gene: CRYAB (crystallin alpha B; minus strand). Cytogenetic location: 11q23.1.
Variant type: single nucleotide variant.
Coding change: c.158C>T on transcript NM_001289808.2 (MANE Select); coding-DNA position 158, C replaced by T.
Protein change: p.Ser53Phe; replaces serine 53 with phenylalanine.
Molecular consequence: missense variant.
Genome position (GRCh38, 1-based): chr11:111,911,567, G>A on the plus strand (C>T on the coding strand, the complement: CRYAB is on the minus strand). VCF-style: chr11-111911567-G-A. GRCh37 (hg19) VCF-style: chr11-111782291-G-A.
Other names: p.Ser53Phe; c.158C>T, p.Ser53Phe (NM_001289807.1, NM_001368245.1, NM_001885.3); short protein forms S53F.
Identifiers: ClinVar variation 2683166 (VCV002683166.1), dbSNP rs2497884577, ClinGen allele CA382600320.